The following is an entry in ClinVar:

NM_014694.4(ADAMTSL2):c.1689G>A (p.Ala563=)

Gene: ADAMTSL2 (ADAMTS like 2; plus strand). Cytogenetic location: 9q34.2.
Variant type: single nucleotide variant.
Coding change: c.1689G>A on transcript NM_014694.4 (MANE Select); coding-DNA position 1689, G replaced by A.
Protein change: p.Ala563=; no amino-acid change (alanine 563 retained).
Molecular consequence: synonymous variant.
Genome position (GRCh38, 1-based): chr9:133,561,237, G>A. VCF-style: chr9-133561237-G-A. GRCh37 (hg19) VCF-style: chr9-136426359-G-A.
Other names: c.1689G>A, p.Ala563= (NM_001145320.2).
Identifiers: ClinVar variation 3778222 (VCV003778222.7).

ClinVar aggregate classification (germline): Likely benign (1 of 4 stars; one submission).

gnomAD v4.1: 10 of 1,608,422 alleles (0.00062%); highest among the groups gnomAD compares: African/African-American, 0.0013%; no homozygotes.

Submission:

CeGaT Center for Human Genetics Tuebingen
Classification: Likely benign. Last evaluated: 2025-03-01. Review status: criteria provided, single submitter. Criteria: CeGaT Center For Human Genetics Tuebingen Variant Classification Criteria Version 2. Collection method: clinical testing. Allele origin: germline. Affected: yes. Observed: 1 variant allele.
Comment: ADAMTSL2: BP4, BP7